The following is an entry in ClinVar:

ClinVar aggregate classification (germline): Uncertain significance (1 of 4 stars; one submission).

Allele frequency attached by ClinVar (database versions not stated): ExAC 0.00001; gnomAD 0.00001; TOPMed 0.00001; gnomAD exomes 0.00002.
gnomAD v4.1: 31 of 1,560,356 alleles (0.002%); highest among the groups gnomAD compares: Non-Finnish European, 0.0027%; no homozygotes.

Submission:

Labcorp Genetics (formerly Invitae), Labcorp
Classification: Uncertain significance. Last evaluated: 2023-11-07. Review status: criteria provided, single submitter. Criteria: Invitae Variant Classification Sherloc (09022015). Collection method: clinical testing. Allele origin: germline.
Comment: This sequence change replaces histidine, which is basic and polar, with arginine, which is basic and polar, at codon 1880 of the CPLANE1 protein (p.His1880Arg). The frequency data for this variant in the population databases is considered unreliable, as metrics indicate poor data quality at this position in the gnomAD database. This variant has not been reported in the literature in individuals affected with CPLANE1-related conditions. Advanced modeling of protein sequence and biophysical properties (such as structural, functional, and spatial information, amino acid conservation, physicochemical variation, residue mobility, and thermodynamic stability) performed at Invitae indicates that this missense variant is not expected to disrupt CPLANE1 protein function with a negative predictive value of 95%. In summary, the available evidence is currently insufficient to determine the role of this variant in disease. Therefore, it has been classified as a Variant of Uncertain Significance.

NM_001384732.1(CPLANE1):c.5639A>G (p.His1880Arg)

Gene: CPLANE1 (ciliogenesis and planar polarity effector complex subunit 1; minus strand). Cytogenetic location: 5p13.2.
Variant type: single nucleotide variant.
Coding change: c.5639A>G on transcript NM_001384732.1 (MANE Select); coding-DNA position 5639, A replaced by G.
Protein change: p.His1880Arg; replaces histidine 1880 with arginine.
Molecular consequence: missense variant.
Genome position (GRCh38, 1-based): chr5:37,180,115, T>C on the plus strand (A>G on the coding strand, the complement: CPLANE1 is on the minus strand). VCF-style: chr5-37180115-T-C. GRCh37 (hg19) VCF-style: chr5-37180217-T-C.
Other names: c.5639A>G, p.His1880Arg (NM_023073.4); short protein forms H1880R.
Identifiers: ClinVar variation 2916973 (VCV002916973.2), dbSNP rs776446341, ClinGen allele CA3238491.